The following is an entry in ClinVar:

ClinVar aggregate classification (germline): Likely benign. Review status: criteria provided, multiple submitters, no conflicts (2 of 4 stars). 2 submissions from 2 submitters: Likely benign (2). Last evaluated 2024-03-07.

Conditions:
Nemaline myopathy 2 (NEM2). Also called: Nemaline myopathy 2, autosomal recessive. Identifiers: MedGen C1850569, MONDO:0009725, OMIM 256030.

Allele frequency attached by ClinVar (database versions not stated): gnomAD below 0.00001 and 0.00001; gnomAD exomes 0.00003 and 0.00009; ExAC 0.00009; 1000 Genomes Project 30x 0.00016.
gnomAD v4.1: 55 of 1,609,874 alleles (0.0034%); highest among the groups gnomAD compares: South Asian, 0.047%; no homozygotes.

Submissions (2):

Labcorp Genetics (formerly Invitae), Labcorp
Classification: Likely benign for Nemaline myopathy 2. Last evaluated: 2024-03-07. Review status: criteria provided, single submitter. Criteria: Invitae Variant Classification Sherloc (09022015). Collection method: clinical testing. Allele origin: germline.

GeneDx
Classification: Likely benign. Last evaluated: 2018-01-24. Review status: criteria provided, single submitter. Criteria: GeneDx Variant Classification (06012015). Collection method: clinical testing. Allele origin: germline. Affected: yes.
Comment: This variant is considered likely benign or benign based on one or more of the following criteria: it is a conservative change, it occurs at a poorly conserved position in the protein, it is predicted to be benign by multiple in silico algorithms, and/or has population frequency not consistent with disease.

NM_001164508.2(NEB):c.9044T>C (p.Leu3015Ser)

Gene: NEB (nebulin; minus strand). Cytogenetic location: 2q23.3.
Variant type: single nucleotide variant.
Coding change: c.9044T>C on transcript NM_001164508.2 (MANE Select); coding-DNA position 9044, T replaced by C.
Protein change: p.Leu3015Ser; replaces leucine 3015 with serine.
Molecular consequence: missense variant. On other transcripts: intron variant (1).
Genome position (GRCh38, 1-based): chr2:151,636,285, A>G on the plus strand (T>C on the coding strand, the complement: NEB is on the minus strand). VCF-style: chr2-151636285-A-G. GRCh37 (hg19) VCF-style: chr2-152492799-A-G.
Other names: c.9044T>C, p.Leu3015Ser (NM_001164507.2, NM_001271208.2); c.8853+3608T>C (NM_004543.5); short protein forms L3015S.
Identifiers: ClinVar variation 514946 (VCV000514946.9), dbSNP rs573822094, ClinGen allele CA1909432.